The following is an entry in ClinVar:

ClinVar aggregate classification (germline): Likely pathogenic (1 of 4 stars; one submission).

Conditions:
Marfan syndrome (MFS). Also called: Marfan syndrome type 1; Marfan's syndrome; FBN1-Related Marfan Syndrome; MARFAN SYNDROME, TYPE I; Marfan syndrome, classic. Identifiers: Orphanet 284963, Orphanet 558, MedGen C0024796, MONDO:0007947, OMIM 154700.

Submission:

Centre of Medical Genetics, University of Antwerp
Classification: Likely pathogenic for Marfan syndrome. Last evaluated: 2021-03-01. Review status: criteria provided, single submitter. Criteria: Submitter's publication. Collection method: research. Allele origin: unknown. Affected: yes. Observed: 2 variant alleles.
Comment: PM2, PS7, PP4

GRCh37/hg19 15q21.1(chr15:48736739-48736857)

Gene: FBN1 (fibrillin 1; minus strand). Cytogenetic location: 15q21.1.
Variant type: copy number loss.
Identifiers: ClinVar variation 1325465 (VCV001325465.2).